The following is an entry in ClinVar:

NM_001114753.3(ENG):c.332C>T (p.Ala111Val)

Gene: ENG (endoglin; minus strand). Cytogenetic location: 9q34.11.
Variant type: single nucleotide variant.
Coding change: c.332C>T on transcript NM_001114753.3 (MANE Select); coding-DNA position 332, C replaced by T.
Protein change: p.Ala111Val; replaces alanine 111 with valine.
Molecular consequence: missense variant. On other transcripts: 5 prime UTR variant (1).
Genome position (GRCh38, 1-based): chr9:127,829,715, G>A on the plus strand (C>T on the coding strand, the complement: ENG is on the minus strand). VCF-style: chr9-127829715-G-A. GRCh37 (hg19) VCF-style: chr9-130591994-G-A.
Other names: c.332C>T, p.Ala111Val (NM_000118.4, NM_001406715.1); c.-215C>T (NM_001278138.2); c.332C>T (NM_001114753.1); short protein forms A111V.
Identifiers: ClinVar variation 952885 (VCV000952885.12), dbSNP rs1029247883, ClinGen allele CA200315403.

ClinVar aggregate classification (germline): Uncertain significance. Review status: criteria provided, multiple submitters, no conflicts (2 of 4 stars). 2 submissions from 2 submitters: Uncertain significance (2). Last evaluated 2026-02-16.

Conditions:
Hereditary hemorrhagic telangiectasia (HHT). Also called: Osler hemorrhagic telangiectasia syndrome; ORW DISEASE; Osler Weber Rendu syndrome; OSLER-RENDU-WEBER DISEASE. Identifiers: Orphanet 774, MedGen C0039445, MONDO:0019180. Disease mechanism: loss of function.
Cardiovascular phenotype. Identifiers: MedGen CN230736.

Allele frequency attached by ClinVar (database versions not stated): gnomAD exomes below 0.00001; TOPMed 0.00001.
gnomAD v4.1: 3 of 1,614,144 alleles (0.00019%); highest among the groups gnomAD compares: Non-Finnish European, 0.00025%; no homozygotes.

Submissions (2):

Ambry Genetics
Classification: Uncertain significance for Cardiovascular phenotype. Last evaluated: 2026-02-16. Review status: criteria provided, single submitter. Criteria: Ambry Variant Classification Scheme 2023. Collection method: clinical testing. Allele origin: germline.
Comment: The p.A111V variant (also known as c.332C>T), located in coding exon 3 of the ENG gene, results from a C to T substitution at nucleotide position 332. The alanine at codon 111 is replaced by valine, an amino acid with similar properties. This amino acid position is conserved. In addition, this alteration is predicted to be tolerated by in silico analysis. Based on the available evidence, the clinical significance of this variant remains unclear.

Labcorp Genetics (formerly Invitae), Labcorp
Classification: Uncertain significance for Hereditary hemorrhagic telangiectasia. Last evaluated: 2023-04-24. Review status: criteria provided, single submitter. Criteria: Invitae Variant Classification Sherloc (09022015). Collection method: clinical testing. Allele origin: germline.
Comment: In summary, the available evidence is currently insufficient to determine the role of this variant in disease. Therefore, it has been classified as a Variant of Uncertain Significance. Advanced modeling of protein sequence and biophysical properties (such as structural, functional, and spatial information, amino acid conservation, physicochemical variation, residue mobility, and thermodynamic stability) performed at Invitae indicates that this missense variant is not expected to disrupt ENG protein function. ClinVar contains an entry for this variant (Variation ID: 952885). This variant has not been reported in the literature in individuals affected with ENG-related conditions. This variant is not present in population databases (gnomAD no frequency). This sequence change replaces alanine, which is neutral and non-polar, with valine, which is neutral and non-polar, at codon 111 of the ENG protein (p.Ala111Val).